The following is an entry in ClinVar:

NM_017534.6(MYH2):c.1825G>A (p.Val609Ile)

Genes: MYH2 (myosin heavy chain 2; minus strand), MYHAS (myosin heavy chain gene cluster antisense RNA; plus strand). Cytogenetic location: 17p13.1.
Variant type: single nucleotide variant.
Coding change: c.1825G>A on transcript NM_017534.6 (MANE Select); coding-DNA position 1825, G replaced by A.
Protein change: p.Val609Ile; replaces valine 609 with isoleucine.
Molecular consequence: missense variant.
Genome position (GRCh38, 1-based): chr17:10,537,305, C>T on the plus strand (G>A on the coding strand, the complement: MYH2 is on the minus strand). VCF-style: chr17-10537305-C-T. GRCh37 (hg19) VCF-style: chr17-10440622-C-T.
Other names: c.1825G>A, p.Val609Ile (NM_001100112.2); short protein forms V609I.
Identifiers: ClinVar variation 2118923 (VCV002118923.4), dbSNP rs2508451145, ClinGen allele CA398153565.

ClinVar aggregate classification (germline): Uncertain significance (1 of 4 stars; one submission).

Conditions:
Myopathy, proximal, and ophthalmoplegia (CMYO6). Also called: MYOPATHY WITH CONGENITAL JOINT CONTRACTURES, OPHTHALMOPLEGIA, AND RIMMED VACUOLES; INCLUSION BODY MYOPATHY 3, AUTOSOMAL DOMINANT; CONGENITAL MYOPATHY 6 WITH OPHTHALMOPLEGIA. Identifiers: Orphanet 363677, Orphanet 79091, MedGen C1854106, MONDO:0011577, OMIM 605637.

Submission:

Labcorp Genetics (formerly Invitae), Labcorp
Classification: Uncertain significance for Myopathy, proximal, and ophthalmoplegia. Last evaluated: 2026-01-19. Review status: criteria provided, single submitter. Criteria: Invitae Variant Classification Sherloc (09022015). Collection method: clinical testing. Allele origin: germline.
Comment: This sequence change replaces valine, which is neutral and non-polar, with isoleucine, which is neutral and non-polar, at codon 609 of the MYH2 protein (p.Val609Ile). This variant is not present in population databases (gnomAD no frequency). This variant has not been reported in the literature in individuals affected with MYH2-related conditions. ClinVar contains an entry for this variant (Variation ID: 2118923). Invitae Evidence Modeling of protein sequence and biophysical properties (such as structural, functional, and spatial information, amino acid conservation, physicochemical variation, residue mobility, and thermodynamic stability) indicates that this missense variant is not expected to disrupt MYH2 protein function with a negative predictive value of 80%. In summary, the available evidence is currently insufficient to determine the role of this variant in disease. Therefore, it has been classified as a Variant of Uncertain Significance.